The following is an entry in ClinVar:

ClinVar aggregate classification (germline): Pathogenic. Review status: criteria provided, multiple submitters, no conflicts (2 of 4 stars). 9 submissions from 9 submitters: Pathogenic (7). 2 of the submissions do not count toward it. Last evaluated 2026-09-02.

Conditions:
Early-infantile DEE. Also called: Early infantile epileptic encephalopathy; Ohtahara syndrome; Early infantile epileptic encephalopathy with suppression bursts. Identifiers: Orphanet 1934, MedGen C0393706, MONDO:0800491.
Seizures, benign familial infantile, 5 (BFIS5). Also called: CONVULSIONS, BENIGN FAMILIAL INFANTILE, 5. Identifiers: Orphanet 306, MedGen C4310728, MONDO:0014903, OMIM 617080.
Developmental and epileptic encephalopathy, 13 (DEE13). Also called: SCN8A-Related Epilepsy; Early infantile epileptic encephalopathy 13; Developmental and Epileptic Encephalopathy (SCN8A-DEE). Identifiers: Orphanet 442835, MedGen C3281191, MONDO:0013801, OMIM 614558.
Epileptic encephalopathy. Identifiers: MedGen C0543888, HP:0200134.

Submissions (10):

Institute of Medical Genetics and Applied Genomics, University Hospital Tübingen
Classification: Pathogenic for Developmental and epileptic encephalopathy, 13. Last evaluated: 2026-09-02. Review status: criteria provided, single submitter. Criteria: ACMG Guidelines, 2015. Collection method: clinical testing. Allele origin: germline. Inheritance: Autosomal dominant inheritance. Affected: yes.

Labcorp Genetics (formerly Invitae), Labcorp
Classification: Pathogenic for Early-infantile DEE. Last evaluated: 2026-01-19. Review status: criteria provided, single submitter. Criteria: Invitae Variant Classification Sherloc (09022015). Collection method: clinical testing. Allele origin: germline.
Comment: This sequence change replaces arginine, which is basic and polar, with tryptophan, which is neutral and slightly polar, at codon 1872 of the SCN8A protein (p.Arg1872Trp). This variant is not present in population databases (gnomAD no frequency). This missense change has been observed in individuals with early infantile epileptic encephalopathy (PMID: 24888894, 25568300, 25951352). ClinVar contains an entry for this variant (Variation ID: 207131). Invitae Evidence Modeling of protein sequence and biophysical properties (such as structural, functional, and spatial information, amino acid conservation, physicochemical variation, residue mobility, and thermodynamic stability) indicates that this missense variant is expected to disrupt SCN8A protein function with a positive predictive value of 95%. Experimental studies have shown that this missense change affects SCN8A function (PMID: 26900580). This variant disrupts the p.Arg1872 amino acid residue in SCN8A. Other variant(s) that disrupt this residue have been determined to be pathogenic (PMID: 25568300, 26029160). This suggests that this residue is clinically significant, and that variants that disrupt this residue are likely to be disease-causing. For these reasons, this variant has been classified as Pathogenic.

3billion
Classification: Pathogenic for Developmental and epileptic encephalopathy, 13. Last evaluated: 2025-11-25. Review status: criteria provided, single submitter. Criteria: ACMG Guidelines, 2015. Collection method: clinical testing. Allele origin: germline. Affected: yes.
Comment: The variant is not observed in the gnomAD v4.1.0 dataset. Predicted Consequence/Location: Missense variant Functional studies provide strong evidence of the variant having a damaging effect on the gene or gene product (PMID: 26900580). In silico tool predictions suggest damaging effect of the variant on gene or gene product [REVEL: 0.90 (>=0.6, sensitivity 0.68 and specificity 0.92); 3Cnet: 0.99 (> 0.75, sensitivity 0.96 and precision 0.92)]. The same nucleotide change resulting in the same amino acid change has been previously reported as pathogenic/likely pathogenic with strong evidence (ClinVar ID: VCV000207131 /PMID: 24888894 /3billion dataset). The variant has been previously reported as assumed (i.e. paternity and maternity not confirmed) de novo in at least two similarly affected unrelated individuals (PMID: 24888894, 25568300, 25951352). Different missense changes at the same codon (p.Arg1872Gln, p.Arg1872Gly, p.Arg1872Leu) have been reported as pathogenic/likely pathogenic with strong evidence (ClinVar ID: VCV000207132, VCV000253297, VCV000426434 /PMID: 25568300, 26900580 /3billion dataset). Therefore, this variant is classified as Pathogenic according to the recommendation of ACMG/AMP guideline.

GeneDx
Classification: Pathogenic. Last evaluated: 2024-03-06. Review status: criteria provided, single submitter. Criteria: GeneDx Variant Classification Process June 2021. Collection method: clinical testing. Allele origin: germline. Affected: yes.
Comment: Published functional studies demonstrate R1872W impaired the sodium channel transition from open state to inactivated state, resulting in channel hyperactivity (PMID: 26900580, 31402610); Not observed at significant frequency in large population cohorts (gnomAD); In silico analysis supports that this missense variant has a deleterious effect on protein structure/function; This substitution is predicted to be within the C-terminal cytoplasmic domain; This variant is associated with the following publications: (PMID: 24888894, 32090326, 25951352, 29852413, 27779742, 30171078, 30601941, 31026061, 32139178, 33258288, 31957018, 35230384, 31440721, 35982159, 33057194, 36403551, 34431999, 36198807, 36755623, 30615093, 31402610, 26900580)

Laboratorio de Genetica e Diagnostico Molecular, Hospital Israelita Albert Einstein
Classification: Pathogenic. Last evaluated: 2021-01-28. Review status: criteria provided, single submitter. Criteria: ACMG Guidelines, 2015. Collection method: clinical testing. Allele origin: germline. Affected: yes.
Comment: ACMG classification criteria: PS3, PS4, PM2, PM5, PM6

Mendelics
Classification: Pathogenic for Developmental and epileptic encephalopathy, 13. Last evaluated: 2019-05-28. Review status: criteria provided, single submitter. Criteria: Mendelics Assertion Criteria 2017. Collection method: clinical testing. Allele origin: unknown.

Neurogenetics Laboratory - MEYER, AOU Meyer
Classification: Pathogenic for Epileptic encephalopathy. Last evaluated: 2016-11-16. Review status: criteria provided, single submitter. Criteria: ACMG Guidelines, 2015. Collection method: clinical testing. Allele origin: de novo. Affected: yes. Observed: 1 heterozygote.

Center of Excellence for Medical Genomics, Chulalongkorn University
Classification: Pathogenic for Seizures, benign familial infantile, 5. Last evaluated: 2002-09-08. Review status: no assertion criteria provided. Collection method: research. Allele origin: de novo. Affected: yes. Not counted in ClinVar's aggregate classification.

Channelopathy-Associated Epilepsy Research Center
No classification provided (evidence only). Condition: Complex neurodevelopmental disorder. Review status: no classification provided. Collection method: literature only. Allele origin: not applicable. Functional consequence: Normal peak current, Normal voltage dependence of activation, Normal slope of activation, Increase in persistent current, Slowing of fast inactivation, Overall gain-of-function effect with respect to biophysical channel activity. Not counted in ClinVar's aggregate classification.
ClinVar note: "not provided" was previously submitted as the classification for the variant. However, the classification appeared to be based only on an observation of functional data so it was converted to no classification on 2025-07-30.

GeneReviews
No classification provided. Condition: Developmental and epileptic encephalopathy, 13. Review status: no classification provided. Collection method: literature only. Allele origin: germline. Affected: yes. Not counted in ClinVar's aggregate classification.

Literature cited by the submitters: PubMed 24888894 (cited by 3 submitters); PubMed 25568300 (cited by 3 submitters); PubMed 25951352 (cited by 3 submitters); PubMed 26900580 (cited by Labcorp Genetics (formerly Invitae), Labcorp and 3billion); PubMed 26029160 (cited by Labcorp Genetics (formerly Invitae), Labcorp); PubMed 31402610 (cited by Channelopathy-Associated Epilepsy Research Center); NCBI Bookshelf NBK379665 (cited by GeneReviews).

NM_001330260.2(SCN8A):c.5614C>T (p.Arg1872Trp)

Gene: SCN8A (sodium voltage-gated channel alpha subunit 8; plus strand). Cytogenetic location: 12q13.13.
Variant type: single nucleotide variant.
Coding change: c.5614C>T on transcript NM_001330260.2 (MANE Select); coding-DNA position 5614, C replaced by T.
Protein change: p.Arg1872Trp; replaces arginine 1872 with tryptophan.
Molecular consequence: missense variant.
Genome position (GRCh38, 1-based): chr12:51,807,100, C>T. VCF-style: chr12-51807100-C-T. GRCh37 (hg19) VCF-style: chr12-52200884-C-T.
Other names: c.5491C>T, p.Arg1831Trp (NM_001177984.3, NM_001369788.1); c.5614C>T, p.Arg1872Trp (NM_014191.4); c.5614C>T (NM_014191.2); short protein forms R1872W, R1831W.
Identifiers: ClinVar variation 207131 (VCV000207131.22), dbSNP rs796053228, ClinGen allele CA318300.
Genomic context (GRCh38, chr12:51,807,100, plus strand): 5'-ACCAAGCGGGTCCTGGGAGATAGCGGGGAGTTGGACATCCTGCGGCAGCAGATGGAAGAG[C>T]GGTTCGTGGCATCCAATCCTTCCAAAGTGTCTTACGAGCCAATCACAACCACACTGCGTC-3'
Protein context (NP_001317189.1, residues 1862-1882): LDILRQQMEE[Arg1872Trp]FVASNPSKVS